The following is an entry in ClinVar:

NM_001267052.2(UNC45B):c.1151+4A>G

Gene: UNC45B (unc-45 myosin chaperone B; plus strand). Cytogenetic location: 17q12.
Variant type: single nucleotide variant.
Coding change: c.1151+4A>G on transcript NM_001267052.2 (MANE Select); 4 bases into the intron after coding-DNA position 1151, A replaced by G.
Molecular consequence: intron variant.
Genome position (GRCh38, 1-based): chr17:35,164,170, A>G. VCF-style: chr17-35164170-A-G. GRCh37 (hg19) VCF-style: chr17-33491189-A-G.
Other names: c.1151+4A>G (NM_001033576.2, NM_173167.3, NM_001308281.1).
Identifiers: ClinVar variation 1383413 (VCV001383413.6), dbSNP rs769010743, ClinGen allele CA8501062.

ClinVar aggregate classification (germline): Uncertain significance (1 of 4 stars; one submission).

Allele frequency attached by ClinVar (database versions not stated): gnomAD exomes below 0.00001; gnomAD 0.00001 and 0.00002; TOPMed 0.00002.
gnomAD v4.1: 18 of 1,603,310 alleles (0.0011%); highest among the groups gnomAD compares: East Asian, 0.018%; no homozygotes.

Submission:

Labcorp Genetics (formerly Invitae), Labcorp
Classification: Uncertain significance. Last evaluated: 2021-11-04. Review status: criteria provided, single submitter. Criteria: Invitae Variant Classification Sherloc (09022015). Collection method: clinical testing. Allele origin: germline.
Comment: This variant is present in population databases (rs769010743, gnomAD 0.02%). This variant has not been reported in the literature in individuals affected with UNC45B-related conditions. Variants that disrupt the consensus splice site are a relatively common cause of aberrant splicing (PMID: 17576681, 9536098). Algorithms developed to predict the effect of sequence changes on RNA splicing suggest that this variant may disrupt the consensus splice site. In summary, the available evidence is currently insufficient to determine the role of this variant in disease. Therefore, it has been classified as a Variant of Uncertain Significance. This sequence change falls in intron 8 of the UNC45B gene. It does not directly change the encoded amino acid sequence of the UNC45B protein. It affects a nucleotide within the consensus splice site.

Literature cited by the submitters: PubMed 17576681; PubMed 9536098.